The following is an entry in ClinVar:

ClinVar aggregate classification (germline): Uncertain significance (1 of 4 stars; one submission).

Allele frequency attached by ClinVar (database versions not stated): ExAC 0.00002; gnomAD 0.00002; TOPMed 0.00003.
gnomAD v4.1: 8 of 1,607,976 alleles (0.0005%); highest among the groups gnomAD compares: African/African-American, 0.004%; no homozygotes.

Submission:

CeGaT Center for Human Genetics Tuebingen
Classification: Uncertain significance. Last evaluated: 2023-10-01. Review status: criteria provided, single submitter. Criteria: CeGaT Center For Human Genetics Tuebingen Variant Classification Criteria Version 2. Collection method: clinical testing. Allele origin: germline. Affected: yes. Observed: 1 variant allele.
Comment: KIF1C: PP3

NM_006612.6(KIF1C):c.457C>T (p.Arg153Trp)

Gene: KIF1C (kinesin family member 1C; plus strand). Cytogenetic location: 17p13.2.
Variant type: single nucleotide variant.
Coding change: c.457C>T on transcript NM_006612.6 (MANE Select); coding-DNA position 457, C replaced by T.
Protein change: p.Arg153Trp; replaces arginine 153 with tryptophan.
Molecular consequence: missense variant.
Genome position (GRCh38, 1-based): chr17:5,002,491, C>T. VCF-style: chr17-5002491-C-T. GRCh37 (hg19) VCF-style: chr17-4905786-C-T.
Other names: short protein forms R153W.
Identifiers: ClinVar variation 2647281 (VCV002647281.24), dbSNP rs764164742, ClinGen allele CA8318577.
Genomic context (GRCh38, chr17:5,002,491, plus strand): 5'-TTTTGTTACTTCTCATTTGCTTCTCCCACTCAGGTGAGCTATATGGAGATCTACTGTGAG[C>T]GGGTACGAGACCTCTTGAACCCCAAGAGTCGGGGTTCTCTGCGGGTCCGGGAGCACCCCA-3'
Protein context (NP_006603.2, residues 143-163): EVSYMEIYCE[Arg153Trp]VRDLLNPKSR